The following is an entry in ClinVar:

NM_001164508.2(NEB):c.16449C>T (p.Ser5483=)

Gene: NEB (nebulin; minus strand). Cytogenetic location: 2q23.3.
Variant type: single nucleotide variant.
Coding change: c.16449C>T on transcript NM_001164508.2 (MANE Select); coding-DNA position 16449, C replaced by T.
Protein change: p.Ser5483=; no amino-acid change (serine 5483 retained).
Molecular consequence: synonymous variant. On other transcripts: intron variant (1).
Genome position (GRCh38, 1-based): chr2:151,579,593, G>A on the plus strand (C>T on the coding strand, the complement: NEB is on the minus strand). VCF-style: chr2-151579593-G-A. GRCh37 (hg19) VCF-style: chr2-152436107-G-A.
Other names: c.16449C>T, p.Ser5483= (NM_001164507.2, NM_001271208.2); c.11602-3239C>T (NM_004543.5).
Identifiers: ClinVar variation 257761 (VCV000257761.3), dbSNP rs546992311, ClinGen allele CA1908424.

ClinVar aggregate classification (germline): Benign. Review status: criteria provided, multiple submitters, no conflicts (2 of 4 stars). 3 submissions from 3 submitters: Benign (2). 1 of the submissions does not count toward it. Last evaluated 2016-07-08.

Conditions:
Nemaline myopathy 2 (NEM2). Also called: Nemaline myopathy 2, autosomal recessive. Identifiers: MedGen C1850569, MONDO:0009725, OMIM 256030.

Allele frequency attached by ClinVar (database versions not stated): gnomAD 0.00148; 1000 Genomes Project 30x 0.01124; 1000 Genomes Project 0.01258; gnomAD exomes 0.01389; ExAC 0.02941.

Submissions (3):

GeneDx
Classification: Benign. Last evaluated: 2016-07-08. Review status: criteria provided, single submitter. Criteria: GeneDx Variant Classification (06012015). Collection method: clinical testing. Allele origin: germline. Affected: yes.
Comment: This variant is considered likely benign or benign based on one or more of the following criteria: it is a conservative change, it occurs at a poorly conserved position in the protein, it is predicted to be benign by multiple in silico algorithms, and/or has population frequency not consistent with disease.

PreventionGenetics, part of Exact Sciences
Classification: Benign. Review status: criteria provided, single submitter. Criteria: ACMG Guidelines, 2015. Collection method: clinical testing. Allele origin: germline.

Natera, Inc.
Classification: Benign for Nemaline myopathy type 2. Last evaluated: 2020-10-16. Review status: no assertion criteria provided. Collection method: clinical testing. Allele origin: germline. Not counted in ClinVar's aggregate classification.